The following is an entry in ClinVar:

ClinVar aggregate classification (germline): Pathogenic/Likely pathogenic. Review status: criteria provided, multiple submitters, no conflicts (2 of 4 stars). 9 submissions from 8 submitters: Pathogenic (3); Likely pathogenic (5). 1 of the submissions does not count toward it. Last evaluated 2025-06-18.

Conditions:
Usher syndrome type 2A. Also called: RETINAL DISEASE IN USHER SYNDROME TYPE IIA, MODIFIER OF; USHER SYNDROME, TYPE IIA. Identifiers: Orphanet 231178, Orphanet 886, MedGen C1848634, MONDO:0010169, OMIM 276901.
Retinitis pigmentosa 39 (RP39). Identifiers: Orphanet 791, MedGen C3151138, MONDO:0013436, OMIM 613809.
USH2A-related disorder. Also called: USH2A-related disorders; USH2A-related condition. Identifiers: MedGen CN239332.

Submissions (9):

3billion
Classification: Pathogenic for Retinitis pigmentosa 39. Last evaluated: 2025-06-18. Review status: criteria provided, single submitter. Criteria: ACMG Guidelines, 2015. Collection method: clinical testing. Allele origin: germline. Affected: yes.
Comment: The variant is not observed in the gnomAD v4.1.0 dataset. Predicted Consequence/Location: Canonical splice site: predicted to alter splicing and result in a loss or disruption of normal protein function. Multiple pathogenic loss-of-function variants are reported downstream of the variant. In silico tools predict the variant to alter splicing and produce an abnormal transcript [SpliceAI: 1.00 (spliceogenicity >=0.2, non-spliceogenicity <0.1)]. The variant has been reported at least twice as pathogenic with clinical assertions and evidence for the classification (ClinVar ID: VCV000557924). Therefore, this variant is classified as Pathogenic according to the recommendation of ACMG/AMP guideline.

Natera, Inc.
Classification: Likely pathogenic for Usher syndrome type 2A. Last evaluated: 2025-02-03. Review status: criteria provided, single submitter. Criteria: Natera Variant Classification Schema (03/2026). Collection method: clinical testing. Allele origin: germline.
Comment: The c.6805+1G>T variant in USH2A is a canonical splice donor site variant predicted to affect pre-mRNA splicing, which may result in an abnormal transcript and altered protein product. This variant is expected to result in nonsense mediated decay, truncation, or a dysfunctional protein product. This variant is rare in the general population with a frequency below the threshold expected for the associated phenotype(s). Given the available evidence, this variant is classified as Likely Pathogenic.

Blueprint Genetics
Classification: Pathogenic for USH2A-related disorders. Last evaluated: 2024-02-05. Review status: criteria provided, single submitter. Criteria: ACMG Guidelines, 2015. Collection method: clinical testing. Allele origin: germline. Affected: yes. Observed: 2 variant alleles.

Fulgent Genetics
Classification: Likely pathogenic for Usher syndrome type 2A; Retinitis pigmentosa 39. Last evaluated: 2024-01-30. Review status: criteria provided, single submitter. Criteria: ACMG Guidelines, 2015. Collection method: clinical testing. Allele origin: germline.

Labcorp Genetics (formerly Invitae), Labcorp
Classification: Pathogenic. Last evaluated: 2023-08-24. Review status: criteria provided, single submitter. Criteria: Invitae Variant Classification Sherloc (09022015). Collection method: clinical testing. Allele origin: germline.
Comment: For these reasons, this variant has been classified as Pathogenic. Algorithms developed to predict the effect of sequence changes on RNA splicing suggest that this variant may disrupt the consensus splice site. ClinVar contains an entry for this variant (Variation ID: 557924). Disruption of this splice site has been observed in individual(s) with Usher syndrome (PMID: 28944237). In at least one individual the data is consistent with being in trans (on the opposite chromosome) from a pathogenic variant. This variant is not present in population databases (gnomAD no frequency). This sequence change affects a donor splice site in intron 35 of the USH2A gene. It is expected to disrupt RNA splicing. Variants that disrupt the donor or acceptor splice site typically lead to a loss of protein function (PMID: 16199547), and loss-of-function variants in USH2A are known to be pathogenic (PMID: 10729113, 10909849, 20507924, 25649381).

Genome-Nilou Lab
Classification: Likely pathogenic for Retinitis pigmentosa 39. Last evaluated: 2023-04-11. Review status: criteria provided, single submitter. Criteria: ACMG Guidelines, 2015. Collection method: clinical testing. Allele origin: germline. Affected: no.

Genome-Nilou Lab
Classification: Likely pathogenic for Usher syndrome type 2A. Last evaluated: 2023-04-11. Review status: criteria provided, single submitter. Criteria: ACMG Guidelines, 2015. Collection method: clinical testing. Allele origin: germline. Affected: no.

Baylor Genetics
Classification: Likely pathogenic for Retinitis pigmentosa 39. Last evaluated: 2022-07-09. Review status: criteria provided, single submitter. Criteria: ACMG Guidelines, 2015. Collection method: clinical testing. Allele origin: unknown.

Counsyl
Classification: Likely pathogenic for Usher syndrome type 2A; Retinitis pigmentosa 39. Last evaluated: 2018-04-17. Review status: no assertion criteria provided. Collection method: clinical testing. Allele origin: unknown. Not counted in ClinVar's aggregate classification.

Literature cited by the submitters: PubMed 28944237 (cited by Labcorp Genetics (formerly Invitae), Labcorp); PubMed 16199547 (cited by Labcorp Genetics (formerly Invitae), Labcorp); PubMed 10729113 (cited by Labcorp Genetics (formerly Invitae), Labcorp); PubMed 10909849 (cited by Labcorp Genetics (formerly Invitae), Labcorp); PubMed 20507924 (cited by Labcorp Genetics (formerly Invitae), Labcorp); PubMed 25649381 (cited by Labcorp Genetics (formerly Invitae), Labcorp).

NM_206933.4(USH2A):c.6805+1G>T

Gene: USH2A (usherin; minus strand). Cytogenetic location: 1q41.
Variant type: single nucleotide variant.
Coding change: c.6805+1G>T on transcript NM_206933.4 (MANE Select); the canonical splice donor site of the intron after coding-DNA position 6805, G replaced by T.
Molecular consequence: splice donor variant.
Genome position (GRCh38, 1-based): chr1:215,993,019, C>A on the plus strand (G>T on the coding strand, the complement: USH2A is on the minus strand). VCF-style: chr1-215993019-C-A. GRCh37 (hg19) VCF-style: chr1-216166361-C-A.
Identifiers: ClinVar variation 557924 (VCV000557924.17), dbSNP rs1553285919, ClinGen allele CA344860088.
Genomic context (GRCh38, chr1:215,993,019, plus strand): 5'-AGAATATTAATTTACCTTTGCTAATCATCTTTTTAACTTGAGGCTAAAAGAGTTCACTTA[C>A]CATTCGGATATTCAGGCTCAGTCCAGGAGACATTAAAGGAGTCAGGTGAATATGAGTGGG-3'